The following is an entry in ClinVar:

ClinVar aggregate classification (germline): Conflicting classifications of pathogenicity. Review status: criteria provided, conflicting classifications (1 of 4 stars). 4 submissions from 4 submitters: Uncertain significance (3); Benign (1). Last evaluated 2025-10-25.

Conditions:
Marshall syndrome (MRSHS). Identifiers: Orphanet 560, MedGen C0265235, MONDO:0007949, OMIM 154780.
Stickler syndrome type 2 (STL2). Also called: STICKLER SYNDROME, TYPE II; STICKLER SYNDROME, BEADED VITREOUS TYPE; STICKLER SYNDROME, VITREOUS TYPE 2; COL11A1-Related Stickler Syndrome. Identifiers: Orphanet 828, Orphanet 90654, MedGen C1858084, MONDO:0011493, OMIM 604841.
Hearing loss, autosomal dominant 37. Also called: DEAFNESS, AUTOSOMAL DOMINANT 37. Identifiers: MedGen C4760307, MONDO:0032802, OMIM 618533.
Intervertebral disc disorder (IDD). Also called: INTERVERTEBRAL DISC DISEASE; Lumbar disk degenerative disorder. Identifiers: MedGen C0158252, MONDO:0044339, OMIM 603932.
Fibrochondrogenesis 1 (FBCG1). Identifiers: Orphanet 2021, MedGen C3278138, MONDO:0009226, OMIM 228520.

Allele frequency attached by ClinVar (database versions not stated): ExAC 0.00001; ESP Exome Variant Server 0.00008.
gnomAD v4.1: 7 of 1,613,150 alleles (0.00043%); highest among the groups gnomAD compares: African/African-American, 0.008%; no homozygotes.

Submissions (4):

Labcorp Genetics (formerly Invitae), Labcorp
Classification: Benign. Last evaluated: 2025-10-25. Review status: criteria provided, single submitter. Criteria: Invitae Variant Classification Sherloc (09022015). Collection method: clinical testing. Allele origin: germline.

Fulgent Genetics
Classification: Uncertain significance for Marshall syndrome; Fibrochondrogenesis 1; Intervertebral disc disorder; Stickler syndrome type 2; Hearing loss, autosomal dominant 37. Last evaluated: 2021-07-19. Review status: criteria provided, single submitter. Criteria: ACMG Guidelines, 2015. Collection method: clinical testing. Allele origin: unknown.

GeneDx
Classification: Uncertain significance. Last evaluated: 2020-01-24. Review status: criteria provided, single submitter. Criteria: GeneDx Variant Classification Process June 2021. Collection method: clinical testing. Allele origin: germline. Affected: yes.
Comment: Has not been previously published as pathogenic or benign to our knowledge; Not observed at a significant frequency in large population cohorts (Lek et al., 2016); In silico analysis, which includes protein predictors and evolutionary conservation, supports a deleterious effect; Not located in the triple helical region, where the majority of pathogenic missense variants occur (Stenson et al., 2014; Acke et al., 2014)

Blueprint Genetics
Classification: Uncertain significance. Last evaluated: 2018-09-24. Review status: criteria provided, single submitter. Criteria: ACMG Guidelines, 2015. Collection method: clinical testing. Allele origin: germline.

NM_001854.4(COL11A1):c.565C>T (p.Pro189Ser)

Gene: COL11A1 (collagen type XI alpha 1 chain; minus strand). Cytogenetic location: 1p21.1.
Variant type: single nucleotide variant.
Coding change: c.565C>T on transcript NM_001854.4 (MANE Select); coding-DNA position 565, C replaced by T.
Protein change: p.Pro189Ser; replaces proline 189 with serine.
Molecular consequence: missense variant. On other transcripts: non-coding transcript variant (1).
Genome position (GRCh38, 1-based): chr1:103,074,704, G>A on the plus strand (C>T on the coding strand, the complement: COL11A1 is on the minus strand). VCF-style: chr1-103074704-G-A. GRCh37 (hg19) VCF-style: chr1-103540260-G-A.
Other names: c.565C>T, p.Pro189Ser (NM_001190709.2, NM_080629.3, NM_080630.4); short protein forms P189S.
Identifiers: ClinVar variation 1314615 (VCV001314615.5), dbSNP rs201557468, ClinGen allele CA975409.